The following is an entry in ClinVar:

ClinVar aggregate classification (germline): Likely pathogenic. Review status: criteria provided, single submitter (1 of 4 stars). 2 submissions from 2 submitters: Likely pathogenic (1). 1 of the submissions does not count toward it. Last evaluated 2020-10-19.

Conditions:
Tessadori-van Haaften neurodevelopmental syndrome 1 (TEBIVANED1). Also called: TESSADORI-BICKNELL-VAN HAAFTEN NEURODEVELOPMENTAL SYNDROME 1. Identifiers: MedGen C5676922, MONDO:0030729, OMIM 619758.

Submissions (2):

Victorian Clinical Genetics Services, Murdoch Childrens Research Institute
Classification: Likely pathogenic for Tessadori-van Haaften neurodevelopmental syndrome 1. Last evaluated: 2020-10-19. Review status: criteria provided, single submitter. Criteria: ACMG Guidelines, 2015. Collection method: clinical testing. Allele origin: germline. Inheritance: Autosomal dominant inheritance. Affected: yes.
Comment: Based on the classification scheme VCGS_Germline_v1.3.3, this variant is classified as Likely Pathogenic. Following criteria are met: 0105 - The mechanism of disease for this gene is not clearly established. (I) 0107 - This gene is associated with autosomal dominant disease. (I) 0200 - Variant is predicted to result in a missense amino acid change from lysine to arginine. (I) 0251 - This variant is heterozygous. (I) 0301 - Variant is absent from gnomAD (both v2 and v3). (SP) 0502 - Missense variant with conflicting in silico predictions and uninformative conservation. (I) 0601 - Variant is located in a well-established post-translational modification site. Post-translational modification of this residue in histone H4 is important for chromatin remodeling and DNA damage repair (PMID: 19818714, 15808514). (SP) 0704 - Another missense variant comparable to the one identified in this case has limited previous evidence for pathogenicity. A p.(Lys92Gln) variant was identified in an individual with growth delay, microcephaly, and intellectual disability (PMID: 28920961). (SP) 0803 - This variant has limited previous evidence of pathogenicity in an unrelated individual(s). This variant was identified in siblings with growth delay, microcephaly, and intellectual disability. The variant was inherited from their mosaic father (PMID: 28920961). (SP) 1002 - This variant has moderate functional evidence supporting abnormal protein function. Experiments in zebrafish embryos reveal that this variant causes developmental and DNA repair defects. Patient fibroblast studies show that variant protein is incorporated into the nucleosome complex (PMID: 28920961). (SP) Legend: (SP) - Supporting pathogenic, (I) - Information, (SB) - Supporting benign

OMIM
Classification: Pathogenic for TESSADORI-BICKNELL-VAN HAAFTEN NEURODEVELOPMENTAL SYNDROME 1. Last evaluated: 2023-03-21. Review status: no assertion criteria provided. Collection method: literature only. Allele origin: germline. Not counted in ClinVar's aggregate classification.

Literature cited by the submitters: PubMed 15808514 (cited by Victorian Clinical Genetics Services, Murdoch Childrens Research Institute); PubMed 19818714 (cited by Victorian Clinical Genetics Services, Murdoch Childrens Research Institute); PubMed 28920961 (cited by Victorian Clinical Genetics Services, Murdoch Childrens Research Institute and OMIM).

NM_003542.4(H4C3):c.275A>G (p.Lys92Arg)

Gene: H4C3 (H4 clustered histone 3; plus strand). Cytogenetic location: 6p22.2.
Variant type: single nucleotide variant.
Coding change: c.275A>G on transcript NM_003542.4 (MANE Select); coding-DNA position 275, A replaced by G.
Protein change: p.Lys92Arg; replaces lysine 92 with arginine.
Molecular consequence: missense variant.
Genome position (GRCh38, 1-based): chr6:26,104,222, A>G. VCF-style: chr6-26104222-A-G. GRCh37 (hg19) VCF-style: chr6-26104450-A-G.
Other names: K91R; c.275A>G (NM_003542.3); short protein forms K92R.
Identifiers: ClinVar variation 1342161 (VCV001342161.4), dbSNP rs2113784630, ClinGen allele CA363181790.